The following is an entry in ClinVar:

NM_000287.4(PEX6):c.1415dup (p.Gly473fs)

Gene: PEX6 (peroxisomal biogenesis factor 6; minus strand). Cytogenetic location: 6p21.1.
Variant type: Duplication.
Coding change: c.1415dup on transcript NM_000287.4 (MANE Select); coding-DNA position 1415, one base duplicated (C; older notation c.1415dupC).
Protein change: p.Gly473fs; shifts the reading frame from glycine 473.
Molecular consequence: frameshift variant. On other transcripts: non-coding transcript variant (1).
Genome position (GRCh38, 1-based): chr6:42,968,938, G duplicated on the plus strand (C on the coding strand, the reverse complement: PEX6 is on the minus strand); the first of 6 consecutive G bases (chr6:42,968,938-42,968,943); duplicating any one gives the same sequence. VCF-style (leftmost placement, unchanged base first): chr6-42968937-T-TG. GRCh37 (hg19) VCF-style: chr6-42936675-T-TG.
Other names: c.1151dup, p.Gly385fs (NM_001316313.2); c.1415dup (NM_000287.3); short protein forms G473fs, G385fs.
Identifiers: ClinVar variation 2136392 (VCV002136392.6), dbSNP rs267608219, ClinGen allele CA3811331.

ClinVar aggregate classification (germline): Pathogenic. Review status: criteria provided, multiple submitters, no conflicts (2 of 4 stars). 3 submissions from 3 submitters: Pathogenic (3). Last evaluated 2024-12-05.

Conditions:
Peroxisome biogenesis disorder. Identifiers: Orphanet 79189, MedGen C1832200, MONDO:0019234. Disease mechanism: loss of function.
Heimler syndrome 2 (HMLR2). Also called: PEROXISOME BIOGENESIS DISORDER 4C. Identifiers: Orphanet 3220, MedGen C4225267, OMIM 616617, MONDO:0014709.

Submissions (3):

GeneDx
Classification: Pathogenic. Last evaluated: 2024-12-05. Review status: criteria provided, single submitter. Criteria: GeneDx Variant Classification Process June 2021. Collection method: clinical testing. Allele origin: germline. Affected: yes.
Comment: Frameshift variant predicted to result in protein truncation or nonsense mediated decay in a gene for which loss of function is a known mechanism of disease; Not observed at significant frequency in large population cohorts (gnomAD); This variant is associated with the following publications: (PMID: 31964843, 17041890)

Baylor Genetics
Classification: Pathogenic for Heimler syndrome 2. Last evaluated: 2023-09-30. Review status: criteria provided, single submitter. Criteria: ACMG Guidelines, 2015. Collection method: clinical testing. Allele origin: unknown.

Labcorp Genetics (formerly Invitae), Labcorp
Classification: Pathogenic for Peroxisome biogenesis disorder. Last evaluated: 2023-09-08. Review status: criteria provided, single submitter. Criteria: Invitae Variant Classification Sherloc (09022015). Collection method: clinical testing. Allele origin: germline.
Comment: This sequence change creates a premature translational stop signal (p.Gly473Argfs*13) in the PEX6 gene. It is expected to result in an absent or disrupted protein product. Loss-of-function variants in PEX6 are known to be pathogenic (PMID: 10408779, 21031596, 31831025). For these reasons, this variant has been classified as Pathogenic. ClinVar contains an entry for this variant (Variation ID: 2136392). This premature translational stop signal has been observed in individual(s) with Zellweger spectrum disease (PMID: 17041890). This variant is present in population databases (rs267608219, gnomAD 0.006%).

Literature cited by the submitters: PubMed 10408779 (cited by Labcorp Genetics (formerly Invitae), Labcorp); PubMed 21031596 (cited by Labcorp Genetics (formerly Invitae), Labcorp); PubMed 31831025 (cited by Labcorp Genetics (formerly Invitae), Labcorp); PubMed 17041890 (cited by Labcorp Genetics (formerly Invitae), Labcorp).